The following is an entry in ClinVar:

ClinVar aggregate classification (germline): Uncertain significance (1 of 4 stars; one submission).

Conditions:
Congenital contractural arachnodactyly (CCA). Also called: BEALS SYNDROME; Arthrogryposis, distal, type 9; Beals-Hecht syndrome. Identifiers: Orphanet 115, MedGen C0220668, MONDO:0007363, OMIM 121050.

gnomAD v4.1: 2 of 1,613,918 alleles (0.00012%); highest among the groups gnomAD compares: African/African-American, 0.0013%; no homozygotes.

Submission:

Labcorp Genetics (formerly Invitae), Labcorp
Classification: Uncertain significance for Congenital contractural arachnodactyly. Last evaluated: 2024-07-27. Review status: criteria provided, single submitter. Criteria: Invitae Variant Classification Sherloc (09022015). Collection method: clinical testing. Allele origin: germline.
Comment: This sequence change replaces glycine, which is neutral and non-polar, with arginine, which is basic and polar, at codon 192 of the FBN2 protein (p.Gly192Arg). This variant is present in population databases (rs376398925, gnomAD 0.007%). This variant has not been reported in the literature in individuals affected with FBN2-related conditions. Advanced modeling of protein sequence and biophysical properties (such as structural, functional, and spatial information, amino acid conservation, physicochemical variation, residue mobility, and thermodynamic stability) has been performed at Invitae for this missense variant, however the output from this modeling did not meet the statistical confidence thresholds required to predict the impact of this variant on FBN2 protein function. In summary, the available evidence is currently insufficient to determine the role of this variant in disease. Therefore, it has been classified as a Variant of Uncertain Significance.

NM_001999.4(FBN2):c.574G>C (p.Gly192Arg)

Gene: FBN2 (fibrillin 2; minus strand). Cytogenetic location: 5q23.3.
Variant type: single nucleotide variant.
Coding change: c.574G>C on transcript NM_001999.4 (MANE Select); coding-DNA position 574, G replaced by C.
Protein change: p.Gly192Arg; replaces glycine 192 with arginine.
Molecular consequence: missense variant.
Genome position (GRCh38, 1-based): chr5:128,519,327, C>G on the plus strand (G>C on the coding strand, the complement: FBN2 is on the minus strand). VCF-style: chr5-128519327-C-G. GRCh37 (hg19) VCF-style: chr5-127855020-C-G.
Other names: short protein forms G192R.
Identifiers: ClinVar variation 3635540 (VCV003635540.2).
Genomic context (GRCh38, chr5:128,519,327, plus strand): 5'-TCTTACCTCTTTCACACTGTGGACCAGTGAACCCATAAACACAAGCACAGCGGTTGGGTC[C>G]GATGCAACGTCCACCATTCTGACATCCATTTTCACAGACAGCTGCATACAAAAATAGCAA-3'
Protein context (NP_001990.2, residues 182-202): NGCQNGGRCI[Gly192Arg]PNRCACVYGF